The following is an entry in ClinVar:

ClinVar aggregate classification (germline): Uncertain significance (1 of 4 stars; one submission).

Conditions:
Singleton-Merten syndrome 1 (SGMRT1). Also called: Widened medullary cavities of bone, aortic calcification, abnormal dentition, and muscular weakness; Syndrome of widened medullary cavities of the metacarpals and phalanges, aortic calcification and abnormal dentition. Identifiers: Orphanet 85191, MedGen C4225427, MONDO:0024535, OMIM 182250.
Aicardi-Goutieres syndrome 7 (AGS7). Identifiers: Orphanet 51, MedGen C3888244, MONDO:0014367, OMIM 615846.

Submission:

Labcorp Genetics (formerly Invitae), Labcorp
Classification: Uncertain significance for Aicardi-Goutieres syndrome 7; Singleton-Merten syndrome 1. Last evaluated: 2023-11-20. Review status: criteria provided, single submitter. Criteria: Invitae Variant Classification Sherloc (09022015). Collection method: clinical testing. Allele origin: germline.
Comment: This sequence change replaces glycine, which is neutral and non-polar, with arginine, which is basic and polar, at codon 839 of the IFIH1 protein (p.Gly839Arg). This variant is not present in population databases (gnomAD no frequency). This variant has not been reported in the literature in individuals affected with IFIH1-related conditions. Advanced modeling of protein sequence and biophysical properties (such as structural, functional, and spatial information, amino acid conservation, physicochemical variation, residue mobility, and thermodynamic stability) has been performed at Invitae for this missense variant, however the output from this modeling did not meet the statistical confidence thresholds required to predict the impact of this variant on IFIH1 protein function. In summary, the available evidence is currently insufficient to determine the role of this variant in disease. Therefore, it has been classified as a Variant of Uncertain Significance.

NM_022168.4(IFIH1):c.2515G>C (p.Gly839Arg)

Gene: IFIH1 (interferon induced with helicase C domain 1; minus strand). Cytogenetic location: 2q24.2.
Variant type: single nucleotide variant.
Coding change: c.2515G>C on transcript NM_022168.4 (MANE Select); coding-DNA position 2515, G replaced by C.
Protein change: p.Gly839Arg; replaces glycine 839 with arginine.
Molecular consequence: missense variant.
Genome position (GRCh38, 1-based): chr2:162,272,327, C>G on the plus strand (G>C on the coding strand, the complement: IFIH1 is on the minus strand). VCF-style: chr2-162272327-C-G. GRCh37 (hg19) VCF-style: chr2-163128837-C-G.
Other names: short protein forms G839R.
Identifiers: ClinVar variation 2950666 (VCV002950666.3), dbSNP rs2468952464, ClinGen allele CA348994346.
Genomic context (GRCh38, chr2:162,272,327, plus strand): 5'-GTATAGCTTTATACATCATCTTCTCTCGGAAATCATTAACTGTCTCATGTTCGATAACTC[C>G]TGAACCACTGTGAGCAACCAGGACGTAGGTGCTCTCATCAGCTCTGGCTCGACCACGGGC-3'
Protein context (NP_071451.2, residues 829-849): TYVLVAHSGS[Gly839Arg]VIEHETVNDF